The following is an entry in ClinVar:

ClinVar aggregate classification (germline): Uncertain significance. Review status: criteria provided, multiple submitters, no conflicts (2 of 4 stars). 2 submissions from 2 submitters: Uncertain significance (2). Last evaluated 2025-05-15.

Conditions:
Epilepsy, familial adult myoclonic, 5 (EPEO5). Also called: CORTICAL MYOCLONIC TREMOR WITH EPILEPSY, FAMILIAL, 5. Identifiers: Orphanet 86814, MedGen C3809374, MONDO:0014167, OMIM 615400.

Allele frequency attached by ClinVar (database versions not stated): gnomAD 0.00004 and 0.00005; TOPMed 0.00009; gnomAD exomes 0.00007; ESP Exome Variant Server 0.00008; ExAC 0.00010.
gnomAD v4.1: 161 of 1,584,692 alleles (0.01%); highest among the groups gnomAD compares: Non-Finnish European, 0.013%; no homozygotes.

Submissions (2):

GeneDx
Classification: Uncertain significance. Last evaluated: 2025-05-15. Review status: criteria provided, single submitter. Criteria: GeneDx Variant Classification Process June 2021. Collection method: clinical testing. Allele origin: germline. Affected: yes.
Comment: In silico analysis suggests that this missense variant does not alter protein structure/function; Has not been previously published as pathogenic or benign to our knowledge

Labcorp Genetics (formerly Invitae), Labcorp
Classification: Uncertain significance for Epilepsy, familial adult myoclonic, 5. Last evaluated: 2024-09-23. Review status: criteria provided, single submitter. Criteria: Invitae Variant Classification Sherloc (09022015). Collection method: clinical testing. Allele origin: germline.
Comment: This sequence change replaces glutamic acid, which is acidic and polar, with lysine, which is basic and polar, at codon 79 of the CNTN2 protein (p.Glu79Lys). This variant is present in population databases (rs377098737, gnomAD 0.01%). This variant has not been reported in the literature in individuals affected with CNTN2-related conditions. ClinVar contains an entry for this variant (Variation ID: 567426). Invitae Evidence Modeling of protein sequence and biophysical properties (such as structural, functional, and spatial information, amino acid conservation, physicochemical variation, residue mobility, and thermodynamic stability) indicates that this missense variant is not expected to disrupt CNTN2 protein function with a negative predictive value of 95%. In summary, the available evidence is currently insufficient to determine the role of this variant in disease. Therefore, it has been classified as a Variant of Uncertain Significance.

NM_005076.5(CNTN2):c.235G>A (p.Glu79Lys)

Gene: CNTN2 (contactin 2; plus strand). Cytogenetic location: 1q32.1.
Variant type: single nucleotide variant.
Coding change: c.235G>A on transcript NM_005076.5 (MANE Select); coding-DNA position 235, G replaced by A.
Protein change: p.Glu79Lys; replaces glutamic acid 79 with lysine.
Molecular consequence: missense variant. On other transcripts: non-coding transcript variant (1).
Genome position (GRCh38, 1-based): chr1:205,058,200, G>A. VCF-style: chr1-205058200-G-A. GRCh37 (hg19) VCF-style: chr1-205027328-G-A.
Other names: c.235G>A, p.Glu79Lys (NM_001346083.2); short protein forms E79K.
Identifiers: ClinVar variation 567426 (VCV000567426.8), dbSNP rs377098737, ClinGen allele CA1350981.